The following is an entry in ClinVar:

NM_002488.5(NDUFA2):c.225del (p.Asn76fs)

Genes: TMCO6 (transmembrane and coiled-coil domains 6; plus strand), NDUFA2 (NADH:ubiquinone oxidoreductase subunit A2; minus strand). Cytogenetic location: 5q31.3.
Variant type: Deletion.
Coding change: c.225del on transcript NM_002488.5 (MANE Select); coding-DNA position 225, one base deleted (G; older notation c.225delG).
Protein change: p.Asn76fs; shifts the reading frame from asparagine 76.
Molecular consequence: frameshift variant. On other transcripts: 3 prime UTR variant (1), non-coding transcript variant (1).
Genome position (GRCh38, 1-based): chr5:140,645,662, C deleted on the plus strand (G on the coding strand, the reverse complement: NDUFA2 is on the minus strand). VCF-style (leftmost placement, unchanged base first): chr5-140645661-TC-T. GRCh37 (hg19) VCF-style: chr5-140025246-TC-T.
Other names: c.225delG (NM_002488.4); c.*41del (NM_001185012.2); short protein forms N76fs.
Identifiers: ClinVar variation 214712 (VCV000214712.7), dbSNP rs863224084, ClinGen allele CA321418.

ClinVar aggregate classification (germline): Conflicting classifications of pathogenicity. Review status: criteria provided, conflicting classifications (1 of 4 stars). 4 submissions from 4 submitters: Pathogenic (1); Uncertain significance (2). 1 of the submissions does not count toward it. Last evaluated 2023-12-29.

Conditions:
Cystic Leukoencephalopathy.
Mitochondrial complex I deficiency, nuclear type 13. Also called: Mitochondrial complex 1 deficiency, nuclear type 13. Identifiers: MedGen C4748770, MONDO:0032618, OMIM 618235.

Allele frequency attached by ClinVar (database versions not stated): gnomAD exomes below 0.00001.

Submissions (4):

GeneDx
Classification: Uncertain significance. Last evaluated: 2023-12-29. Review status: criteria provided, single submitter. Criteria: GeneDx Variant Classification Process June 2021. Collection method: clinical testing. Allele origin: germline. Affected: yes.
Comment: Not observed at significant frequency in large population cohorts (gnomAD); Frameshift variant predicted to result in abnormal protein length as the last 24 amino acids are replaced with 3 different amino acids; This variant is associated with the following publications: (PMID: 27159321, 32154054, 28857146, 33233646, 32304865)

Center for Pediatric Genomic Medicine, Children's Mercy Hospital and Clinics
Classification: Uncertain significance. Last evaluated: 2017-05-30. Review status: criteria provided, single submitter. Criteria: ACMG Guidelines, 2015. Collection method: clinical testing. Allele origin: germline.

MyeliNeuroGene Lab, McGill University Health Center Research Institute
Classification: Pathogenic for Cystic Leukoencephalopathy. Review status: criteria provided, single submitter. Criteria: Submitter's publication. Collection method: research. Allele origin: inherited. Inheritance: Autosomal recessive inheritance. Affected: yes. Observed: 1 variant allele, 1 compound heterozygote.
Comment: This is the first report of autosomal recessive mutations in NDUFA2 associated with cystic leukoencephalopathy.

OMIM
Classification: Pathogenic for MITOCHONDRIAL COMPLEX I DEFICIENCY, NUCLEAR TYPE 13. Last evaluated: 2020-09-17. Review status: no assertion criteria provided. Collection method: literature only. Allele origin: germline. Not counted in ClinVar's aggregate classification.

Literature cited by the submitters: PubMed 28857146 (cited by OMIM).